The following is an entry in ClinVar:

ClinVar aggregate classification (germline): Uncertain significance (1 of 4 stars; one submission).

gnomAD v4.1: 1 of 1,613,936 alleles (0.000062%); highest among the groups gnomAD compares: Admixed American, 0.0017%; no homozygotes.

Submission:

Labcorp Genetics (formerly Invitae), Labcorp
Classification: Uncertain significance. Last evaluated: 2025-10-28. Review status: criteria provided, single submitter. Criteria: Invitae Variant Classification Sherloc (09022015). Collection method: clinical testing. Allele origin: germline.
Comment: This sequence change replaces serine, which is neutral and polar, with glycine, which is neutral and non-polar, at codon 712 of the CLCN2 protein (p.Ser712Gly). This variant is present in population databases (no rsID available, gnomAD 0.003%). This variant has not been reported in the literature in individuals affected with CLCN2-related conditions. Invitae Evidence Modeling of protein sequence and biophysical properties (such as structural, functional, and spatial information, amino acid conservation, physicochemical variation, residue mobility, and thermodynamic stability) indicates that this missense variant is not expected to disrupt CLCN2 protein function with a negative predictive value of 80%. In summary, the available evidence is currently insufficient to determine the role of this variant in disease. Therefore, it has been classified as a Variant of Uncertain Significance.

NM_004366.6(CLCN2):c.2134A>G (p.Ser712Gly)

Gene: CLCN2 (chloride voltage-gated channel 2; minus strand). Cytogenetic location: 3q27.1.
Variant type: single nucleotide variant.
Coding change: c.2134A>G on transcript NM_004366.6 (MANE Select); coding-DNA position 2134, A replaced by G.
Protein change: p.Ser712Gly; replaces serine 712 with glycine.
Molecular consequence: missense variant.
Genome position (GRCh38, 1-based): chr3:184,353,042, T>C on the plus strand (A>G on the coding strand, the complement: CLCN2 is on the minus strand). VCF-style: chr3-184353042-T-C. GRCh37 (hg19) VCF-style: chr3-184070830-T-C.
Other names: c.2083A>G, p.Ser695Gly (NM_001171087.3); c.2002A>G, p.Ser668Gly (NM_001171088.3); c.2134A>G, p.Ser712Gly (NM_001171089.3); short protein forms S668G, S695G, S712G.
Identifiers: ClinVar variation 4803843 (VCV004803843.1).